The following is an entry in ClinVar:

NM_139319.3(SLC17A8):c.920G>A (p.Trp307Ter)

Gene: SLC17A8 (solute carrier family 17 member 8; plus strand). Cytogenetic location: 12q23.1.
Variant type: single nucleotide variant.
Coding change: c.920G>A on transcript NM_139319.3 (MANE Select); coding-DNA position 920, G replaced by A.
Protein change: p.Trp307Ter; replaces tryptophan 307 with a stop codon.
Molecular consequence: nonsense. On other transcripts: intron variant (1).
Genome position (GRCh38, 1-based): chr12:100,402,612, G>A. VCF-style: chr12-100402612-G-A. GRCh37 (hg19) VCF-style: chr12-100796390-G-A.
Other names: c.903+133G>A (NM_001145288.2); short protein forms W307*.
Identifiers: ClinVar variation 3694685 (VCV003694685.2).
Genomic context (GRCh38, chr12:100,402,612, plus strand): 5'-GTCAATATCTTTACTAAAAATATCATGGTATTTTTACTCCCTAGAAATTTAGTACCCCAT[G>A]GAAAAGATTTTTCACATCTTTGCCGGTTTATGCAATCATTGTGGCAAATTTTTGCAGAAG-3'

ClinVar aggregate classification (germline): Uncertain significance (1 of 4 stars; one submission).

gnomAD v4.1: 66 of 1,613,802 alleles (0.0041%); highest among the groups gnomAD compares: Non-Finnish European, 0.0054%; no homozygotes.

Submission:

Labcorp Genetics (formerly Invitae), Labcorp
Classification: Uncertain significance. Last evaluated: 2024-08-31. Review status: criteria provided, single submitter. Criteria: Invitae Variant Classification Sherloc (09022015). Collection method: clinical testing. Allele origin: germline.
Comment: This sequence change creates a premature translational stop signal (p.Trp307*) in the SLC17A8 gene. It is expected to result in an absent or disrupted protein product. However, the current clinical and genetic evidence is not sufficient to establish whether loss-of-function variants in SLC17A8 cause disease. This variant is present in population databases (rs765214819, gnomAD 0.004%). This variant has not been reported in the literature in individuals affected with SLC17A8-related conditions. Algorithms developed to predict the effect of sequence changes on RNA splicing suggest that this variant may disrupt the consensus splice site. In summary, the available evidence is currently insufficient to determine the role of this variant in disease. Therefore, it has been classified as a Variant of Uncertain Significance.